The following is an entry in ClinVar:

ClinVar aggregate classification (germline): Uncertain significance (1 of 4 stars; one submission).

Conditions:
Tuberous sclerosis 2 (TSC2). Identifiers: Orphanet 805, MedGen C1860707, MONDO:0013199, OMIM 613254.

Submission:

Labcorp Genetics (formerly Invitae), Labcorp
Classification: Uncertain significance for Tuberous sclerosis 2. Last evaluated: 2022-02-05. Review status: criteria provided, single submitter. Criteria: Invitae Variant Classification Sherloc (09022015). Collection method: clinical testing. Allele origin: germline.
Comment: In summary, the available evidence is currently insufficient to determine the role of this variant in disease. Therefore, it has been classified as a Variant of Uncertain Significance. Advanced modeling of protein sequence and biophysical properties (such as structural, functional, and spatial information, amino acid conservation, physicochemical variation, residue mobility, and thermodynamic stability) performed at Invitae indicates that this missense variant is not expected to disrupt TSC2 protein function. This variant has not been reported in the literature in individuals affected with TSC2-related conditions. This variant is not present in population databases (gnomAD no frequency). This sequence change replaces threonine, which is neutral and polar, with isoleucine, which is neutral and non-polar, at codon 1393 of the TSC2 protein (p.Thr1393Ile).

NM_000548.5(TSC2):c.4178C>T (p.Thr1393Ile)

Gene: TSC2 (TSC complex subunit 2; plus strand). Cytogenetic location: 16p13.3.
Variant type: single nucleotide variant.
Coding change: c.4178C>T on transcript NM_000548.5 (MANE Select); coding-DNA position 4178, C replaced by T.
Protein change: p.Thr1393Ile; replaces threonine 1393 with isoleucine.
Molecular consequence: missense variant.
Genome position (GRCh38, 1-based): chr16:2,084,400, C>T. VCF-style: chr16-2084400-C-T. GRCh37 (hg19) VCF-style: chr16-2134401-C-T.
Other names: c.3977C>T, p.Thr1326Ile (NM_001077183.3); c.4109C>T, p.Thr1370Ile (NM_001114382.3); c.3869C>T, p.Thr1290Ile (NM_001318827.2); c.3833C>T, p.Thr1278Ile (NM_001318829.2); c.3446C>T, p.Thr1149Ile (NM_001318831.2); c.4010C>T, p.Thr1337Ile (NM_001318832.2); c.3980C>T, p.Thr1327Ile (NM_001363528.2); c.4046C>T, p.Thr1349Ile (NM_001370404.1); and 26 more; short protein forms T1290I, T1321I, T1333I, T1356I, T1367I, T1369I, T1393I, T901I.
Identifiers: ClinVar variation 2201783 (VCV002201783.4), dbSNP rs755583869, ClinGen allele CA394299791.